The following is an entry in ClinVar:

ClinVar aggregate classification (germline): Uncertain significance (1 of 4 stars; one submission).

Submission:

Labcorp Genetics (formerly Invitae), Labcorp
Classification: Uncertain significance. Last evaluated: 2023-07-16. Review status: criteria provided, single submitter. Criteria: Invitae Variant Classification Sherloc (09022015). Collection method: clinical testing. Allele origin: germline.
Comment: In summary, the available evidence is currently insufficient to determine the role of this variant in disease. Therefore, it has been classified as a Variant of Uncertain Significance. Advanced modeling of protein sequence and biophysical properties (such as structural, functional, and spatial information, amino acid conservation, physicochemical variation, residue mobility, and thermodynamic stability) performed at Invitae indicates that this missense variant is not expected to disrupt CLTC protein function. This variant has not been reported in the literature in individuals affected with CLTC-related conditions. This variant is not present in population databases (gnomAD no frequency). This sequence change replaces methionine, which is neutral and non-polar, with valine, which is neutral and non-polar, at codon 1142 of the CLTC protein (p.Met1142Val).

NM_004859.4(CLTC):c.3412A>G (p.Met1138Val)

Gene: CLTC (clathrin heavy chain; plus strand). Cytogenetic location: 17q23.1.
Variant type: single nucleotide variant.
Coding change: c.3412A>G on transcript NM_004859.4 (MANE Select); coding-DNA position 3412, A replaced by G.
Protein change: p.Met1138Val; replaces methionine 1138 with valine.
Molecular consequence: missense variant.
Genome position (GRCh38, 1-based): chr17:59,681,809, A>G. VCF-style: chr17-59681809-A-G. GRCh37 (hg19) VCF-style: chr17-57759170-A-G.
Other names: c.3424A>G, p.Met1142Val (NM_001288653.2); short protein forms M1138V, M1142V.
Identifiers: ClinVar variation 2743789 (VCV002743789.3), dbSNP rs2509151766, ClinGen allele CA400417741.